The following is an entry in ClinVar:

ClinVar aggregate classification (germline): Likely pathogenic (1 of 4 stars; one submission).

Conditions:
Hereditary factor IX deficiency disease (HEMB). Also called: F9 DEFICIENCY; FACTOR IX DEFICIENCY; PLASMA THROMBOPLASTIN COMPONENT DEFICIENCY; Hemophilia B; Christmas Disease. Identifiers: Orphanet 98879, MedGen C0008533, MeSH D002836, MONDO:0010604, OMIM 306900.

Submission:

Myriad Genetics, Inc.
Classification: Likely pathogenic for Hereditary factor IX deficiency disease. Last evaluated: 2025-02-18. Review status: criteria provided, single submitter. Criteria: Myriad Autosomal Dominant, Autosomal Recessive and X-Linked Classification Criteria (2023). Collection method: clinical testing. Allele origin: unknown.
Comment: NM_000133.3(F9):c.688G>A(G230R) is a missense variant classified as likely pathogenic in the context of hemophilia B. G230R has been observed in cases with relevant disease (PMID: 29296726, 7937052). Relevant functional assessments of this variant are not available in the literature. G230R has not been observed in referenced population frequency databases. In summary, NM_000133.3(F9):c.688G>A(G230R) is a missense variant that has been observed more frequently in cases with the relevant disease than in healthy populations. Please note: this variant was assessed in the context of healthy population screening.

Literature cited by the submitters: PubMed 29296726; PubMed 7937052.

NM_000133.4(F9):c.688G>A (p.Gly230Arg)

Gene: F9 (coagulation factor IX; plus strand). Cytogenetic location: Xq27.1.
Variant type: single nucleotide variant.
Coding change: c.688G>A on transcript NM_000133.4 (MANE Select); coding-DNA position 688, G replaced by A.
Protein change: p.Gly230Arg; replaces glycine 230 with arginine.
Molecular consequence: missense variant.
Genome position (GRCh38, 1-based): chrX:139,551,229, G>A. VCF-style: chrX-139551229-G-A. GRCh37 (hg19) VCF-style: chrX-138633388-G-A.
Other names: c.574G>A, p.Gly192Arg (NM_001313913.2); short protein forms G192R, G230R.
Identifiers: ClinVar variation 4081673 (VCV004081673.1).